The following is an entry in ClinVar:

ClinVar aggregate classification (germline): Uncertain significance. Review status: criteria provided, multiple submitters, no conflicts (2 of 4 stars). 2 submissions from 2 submitters: Uncertain significance (2). Last evaluated 2024-04-22.

Conditions:
Arrhythmogenic right ventricular dysplasia 8 (ARVD8). Also called: ARRHYTHMOGENIC RIGHT VENTRICULAR DYSPLASIA, FAMILIAL, 8; ARRHYTHMOGENIC RIGHT VENTRICULAR CARDIOMYOPATHY 8; Arrhythmogenic Right Ventricular Dysplasia/Cardiomyopathy 8. Identifiers: MedGen C1843896, MONDO:0011831, OMIM 607450.
Arrhythmogenic cardiomyopathy with wooly hair and keratoderma. Also called: PALMOPLANTAR KERATODERMA WITH LEFT VENTRICULAR CARDIOMYOPATHY AND WOOLLY HAIR; Carvajal syndrome; Dilated cardiomyopathy with woolly hair and keratoderma; Arrhythmogenic cardiomyopathy with woolly hair and keratoderma. Identifiers: Orphanet 65282, MedGen C1854063, MONDO:0011581, OMIM 605676.

Allele frequency attached by ClinVar (database versions not stated): gnomAD exomes below 0.00001; TOPMed below 0.00001.
gnomAD v4.1: 1 of 1,614,202 alleles (0.000062%); highest among the groups gnomAD compares: Non-Finnish European, 0.000085%; no homozygotes.

Submissions (2):

Labcorp Genetics (formerly Invitae), Labcorp
Classification: Uncertain significance for Arrhythmogenic cardiomyopathy with wooly hair and keratoderma; Arrhythmogenic right ventricular dysplasia 8. Last evaluated: 2024-04-22. Review status: criteria provided, single submitter. Criteria: Invitae Variant Classification Sherloc (09022015). Collection method: clinical testing. Allele origin: germline.
Comment: This sequence change replaces glycine, which is neutral and non-polar, with serine, which is neutral and polar, at codon 497 of the DSP protein (p.Gly497Ser). This variant is not present in population databases (gnomAD no frequency). This variant has not been reported in the literature in individuals affected with DSP-related conditions. An algorithm developed to predict the effect of missense changes on protein structure and function (PolyPhen-2) suggests that this variant is likely to be disruptive. In summary, the available evidence is currently insufficient to determine the role of this variant in disease. Therefore, it has been classified as a Variant of Uncertain Significance.

All of Us Research Program, National Institutes of Health
Classification: Uncertain significance for Arrhythmogenic cardiomyopathy with wooly hair and keratoderma. Last evaluated: 2023-11-02. Review status: criteria provided, single submitter. Criteria: ACMG Guidelines, 2015. Collection method: clinical testing. Allele origin: germline. Inheritance: Autosomal dominant inheritance. Observed: 1 variant allele, 1 heterozygote.
Comment: This missense variant replaces glycine with serine at codon 497 of the DSP protein. Computational prediction suggests that this variant may not impact protein structure and function (internally defined REVEL score threshold <= 0.5, PMID: 27666373). To our knowledge, functional studies have not been reported for this variant. This variant has not been reported in individuals affected with DSP-related disorders in the literature. This variant has not been identified in the general population by the Genome Aggregation Database (gnomAD). The available evidence is insufficient to determine the role of this variant in disease conclusively. Therefore, this variant is classified as a Variant of Uncertain Significance.

This study involves interpretation of variants in research participants for the purpose of population health screening. Participant phenotype was not available at the time of variant classification. Additional details can be found in publication PMID: 35346344, PMCID: PMC8962531

NM_004415.4(DSP):c.1489G>A (p.Gly497Ser)

Gene: DSP (desmoplakin; plus strand). Cytogenetic location: 6p24.3.
Variant type: single nucleotide variant.
Coding change: c.1489G>A on transcript NM_004415.4 (MANE Select); coding-DNA position 1489, G replaced by A.
Protein change: p.Gly497Ser; replaces glycine 497 with serine.
Molecular consequence: missense variant.
Genome position (GRCh38, 1-based): chr6:7,569,255, G>A. VCF-style: chr6-7569255-G-A. GRCh37 (hg19) VCF-style: chr6-7569488-G-A.
Other names: c.1489G>A, p.Gly497Ser (NM_001008844.3, NM_001319034.2); short protein forms G497S.
Identifiers: ClinVar variation 3074330 (VCV003074330.3), dbSNP rs1435667455, ClinGen allele CA362677598.